The following is an entry in ClinVar:

NM_017491.5(WDR1):c.1187G>A (p.Arg396Gln)

Gene: WDR1 (WD repeat domain 1; minus strand). Cytogenetic location: 4p16.1.
Variant type: single nucleotide variant.
Coding change: c.1187G>A on transcript NM_017491.5 (MANE Select); coding-DNA position 1187, G replaced by A.
Protein change: p.Arg396Gln; replaces arginine 396 with glutamine.
Molecular consequence: missense variant.
Genome position (GRCh38, 1-based): chr4:10,083,031, C>T on the plus strand (G>A on the coding strand, the complement: WDR1 is on the minus strand). VCF-style: chr4-10083031-C-T. GRCh37 (hg19) VCF-style: chr4-10084655-C-T.
Other names: c.767G>A, p.Arg256Gln (NM_005112.5); short protein forms R256Q, R396Q.
Identifiers: ClinVar variation 1501660 (VCV001501660.5), dbSNP rs769816114, ClinGen allele CA2857719.

ClinVar aggregate classification (germline): Uncertain significance (1 of 4 stars; one submission).

Allele frequency attached by ClinVar (database versions not stated): gnomAD 0.00001.
gnomAD v4.1: 25 of 1,612,174 alleles (0.0016%); highest among the groups gnomAD compares: Non-Finnish European, 0.0019%; no homozygotes.

Submission:

Labcorp Genetics (formerly Invitae), Labcorp
Classification: Uncertain significance. Last evaluated: 2022-05-07. Review status: criteria provided, single submitter. Criteria: Invitae Variant Classification Sherloc (09022015). Collection method: clinical testing. Allele origin: germline.
Comment: This sequence change replaces arginine, which is basic and polar, with glutamine, which is neutral and polar, at codon 396 of the WDR1 protein (p.Arg396Gln). This variant is present in population databases (rs769816114, gnomAD 0.007%). This variant has not been reported in the literature in individuals affected with WDR1-related conditions. Algorithms developed to predict the effect of missense changes on protein structure and function (SIFT, PolyPhen-2, Align-GVGD) all suggest that this variant is likely to be tolerated. Algorithms developed to predict the effect of sequence changes on RNA splicing suggest that this variant may create or strengthen a splice site. In summary, the available evidence is currently insufficient to determine the role of this variant in disease. Therefore, it has been classified as a Variant of Uncertain Significance.